The following is an entry in ClinVar:

NM_000156.6(GAMT):c.248T>C (p.Ile83Thr)

Gene: GAMT (guanidinoacetate N-methyltransferase; minus strand). Cytogenetic location: 19p13.3.
Variant type: single nucleotide variant.
Coding change: c.248T>C on transcript NM_000156.6 (MANE Select); coding-DNA position 248, T replaced by C.
Protein change: p.Ile83Thr; replaces isoleucine 83 with threonine.
Molecular consequence: missense variant.
Genome position (GRCh38, 1-based): chr19:1,399,872, A>G on the plus strand (T>C on the coding strand, the complement: GAMT is on the minus strand). VCF-style: chr19-1399872-A-G. GRCh37 (hg19) VCF-style: chr19-1399871-A-G.
Other names: c.248T>C, p.Ile83Thr (NM_138924.3); short protein forms I83T.
Identifiers: ClinVar variation 1436280 (VCV001436280.8), dbSNP rs796052523, ClinGen allele CA402996671.

ClinVar aggregate classification (germline): Uncertain significance (1 of 4 stars; one submission).

Conditions:
Cerebral creatine deficiency syndrome. Also called: Creatine deficiency syndromes. Identifiers: Orphanet 79172, MedGen C5244016, MONDO:0000456.

Submission:

Labcorp Genetics (formerly Invitae), Labcorp
Classification: Uncertain significance for Cerebral creatine deficiency syndrome. Last evaluated: 2020-11-23. Review status: criteria provided, single submitter. Criteria: Invitae Variant Classification Sherloc (09022015). Collection method: clinical testing. Allele origin: germline.
Comment: This sequence change replaces isoleucine with threonine at codon 83 of the GAMT protein (p.Ile83Thr). The isoleucine residue is highly conserved and there is a moderate physicochemical difference between isoleucine and threonine. This variant is not present in population databases (ExAC no frequency). This variant has not been reported in the literature in individuals with GAMT-related conditions. Algorithms developed to predict the effect of missense changes on protein structure and function (SIFT, PolyPhen-2, Align-GVGD) all suggest that this variant is likely to be disruptive, but these predictions have not been confirmed by published functional studies and their clinical significance is uncertain. In summary, the available evidence is currently insufficient to determine the role of this variant in disease. Therefore, it has been classified as a Variant of Uncertain Significance.